The following is an entry in ClinVar:

ClinVar aggregate classification (germline): Uncertain significance. Review status: criteria provided, multiple submitters, no conflicts (2 of 4 stars). 2 submissions from 2 submitters: Uncertain significance (2). Last evaluated 2025-12-05.

Conditions:
Developmental and epileptic encephalopathy, 12 (DEE12). Identifiers: MedGen C3150988, MONDO:0013389, OMIM 613722.

Allele frequency attached by ClinVar (database versions not stated): TOPMed below 0.00001; gnomAD 0.00001.
gnomAD v4.1: 2 of 1,614,078 alleles (0.00012%); highest among the groups gnomAD compares: Admixed American, 0.0033%; no homozygotes.

Submissions (2):

Mayo Clinic Laboratories, Mayo Clinic
Classification: Uncertain significance. Last evaluated: 2025-12-05. Review status: criteria provided, single submitter. Criteria: ACMG Guidelines, 2015. Collection method: clinical testing. Allele origin: germline. Observed: 1 variant allele.

Labcorp Genetics (formerly Invitae), Labcorp
Classification: Uncertain significance for Developmental and epileptic encephalopathy, 12. Last evaluated: 2024-10-23. Review status: criteria provided, single submitter. Criteria: Invitae Variant Classification Sherloc (09022015). Collection method: clinical testing. Allele origin: germline.
Comment: This sequence change replaces proline, which is neutral and non-polar, with serine, which is neutral and polar, at codon 489 of the PNKP protein (p.Pro489Ser). This variant is present in population databases (no rsID available, gnomAD 0.003%). This variant has not been reported in the literature in individuals affected with PNKP-related conditions. ClinVar contains an entry for this variant (Variation ID: 843394). Invitae Evidence Modeling of protein sequence and biophysical properties (such as structural, functional, and spatial information, amino acid conservation, physicochemical variation, residue mobility, and thermodynamic stability) indicates that this missense variant is expected to disrupt PNKP protein function with a positive predictive value of 80%. In summary, the available evidence is currently insufficient to determine the role of this variant in disease. Therefore, it has been classified as a Variant of Uncertain Significance.

NM_007254.4(PNKP):c.1465C>T (p.Pro489Ser)

Gene: PNKP (polynucleotide kinase 3'-phosphatase; minus strand). Cytogenetic location: 19q13.33.
Variant type: single nucleotide variant.
Coding change: c.1465C>T on transcript NM_007254.4 (MANE Select); coding-DNA position 1465, C replaced by T.
Protein change: p.Pro489Ser; replaces proline 489 with serine.
Molecular consequence: missense variant.
Genome position (GRCh38, 1-based): chr19:49,861,349, G>A on the plus strand (C>T on the coding strand, the complement: PNKP is on the minus strand). VCF-style: chr19-49861349-G-A. GRCh37 (hg19) VCF-style: chr19-50364606-G-A.
Other names: p.Pro489Ser; short protein forms P489S.
Identifiers: ClinVar variation 843394 (VCV000843394.8), dbSNP rs746916070, ClinGen allele CA406932546.